The following is an entry in ClinVar:

NM_002334.4(LRP4):c.184G>A (p.Asp62Asn)

Gene: LRP4 (LDL receptor related protein 4; minus strand). Cytogenetic location: 11p11.2.
Variant type: single nucleotide variant.
Coding change: c.184G>A on transcript NM_002334.4 (MANE Select); coding-DNA position 184, G replaced by A.
Protein change: p.Asp62Asn; replaces aspartic acid 62 with asparagine.
Molecular consequence: missense variant.
Genome position (GRCh38, 1-based): chr11:46,902,798, C>T on the plus strand (G>A on the coding strand, the complement: LRP4 is on the minus strand). VCF-style: chr11-46902798-C-T. GRCh37 (hg19) VCF-style: chr11-46924349-C-T.
Other names: c.184G>A (NM_002334.3); short protein forms D62N.
Identifiers: ClinVar variation 2930888 (VCV002930888.4), dbSNP rs1050038014, ClinGen allele CA221658202.

ClinVar aggregate classification (germline): Uncertain significance. Review status: criteria provided, multiple submitters, no conflicts (2 of 4 stars). 2 submissions from 2 submitters: Uncertain significance (2). Last evaluated 2024-12-14.

Conditions:
Inborn genetic diseases. Identifiers: MedGen C0950123, MeSH D030342.
Cenani-Lenz syndactyly syndrome. Also called: SYNDACTYLY, TYPE VII; CENANI SYNDACTYLISM. Identifiers: Orphanet 3258, MedGen C1859309, MONDO:0008931, OMIM 212780.
Congenital myasthenic syndrome 17. Identifiers: Orphanet 590, MedGen C4225377, MONDO:0014578, OMIM 616304.
Sclerosteosis 2 (SOST2). Identifiers: Orphanet 3152, MedGen C3280402, MONDO:0013679, OMIM 614305.

Allele frequency attached by ClinVar (database versions not stated): gnomAD exomes below 0.00001; TOPMed below 0.00001.

Submissions (2):

Ambry Genetics
Classification: Uncertain significance for Inborn genetic diseases. Last evaluated: 2024-12-14. Review status: criteria provided, single submitter. Criteria: Ambry Variant Classification Scheme 2023. Collection method: clinical testing. Allele origin: germline.

Labcorp Genetics (formerly Invitae), Labcorp
Classification: Uncertain significance for Cenani-Lenz syndactyly syndrome; Sclerosteosis 2; Congenital myasthenic syndrome 17. Last evaluated: 2023-07-28. Review status: criteria provided, single submitter. Criteria: Invitae Variant Classification Sherloc (09022015). Collection method: clinical testing. Allele origin: germline.
Comment: In summary, the available evidence is currently insufficient to determine the role of this variant in disease. Therefore, it has been classified as a Variant of Uncertain Significance. An algorithm developed to predict the effect of missense changes on protein structure and function (PolyPhen-2) suggests that this variant is likely to be disruptive. This variant has not been reported in the literature in individuals affected with LRP4-related conditions. This variant is not present in population databases (gnomAD no frequency). This sequence change replaces aspartic acid, which is acidic and polar, with asparagine, which is neutral and polar, at codon 62 of the LRP4 protein (p.Asp62Asn).